The following is an entry in ClinVar:

NM_000106.6(CYP2D6):c.360C>T (p.Phe120=)

Gene: CYP2D6 (cytochrome P450 family 2 subfamily D member 6 (gene/pseudogene); minus strand). Cytogenetic location: 22q13.2.
Variant type: single nucleotide variant.
Coding change: c.360C>T on transcript NM_000106.6 (MANE Select); coding-DNA position 360, C replaced by T.
Protein change: p.Phe120=; no amino-acid change (phenylalanine 120 retained).
Molecular consequence: synonymous variant. On other transcripts: intron variant (1).
Genome position (GRCh38, 1-based): chr22:42,129,178, G>A on the plus strand (C>T on the coding strand, the complement: CYP2D6 is on the minus strand). VCF-style: chr22-42129178-G-A. GRCh37 (hg19) VCF-style: chr22-42525180-G-A.
Other names: c.353-234C>T (NM_001025161.3).
Identifiers: ClinVar variation 4681334 (VCV004681334.5).
Genomic context (GRCh38, chr22:42,129,178, plus strand): 5'-GCGCAAGGTGGACACGGAGAAGCGCCTCTGCTCGCGCCACGCGGGCCCATAGCGCGCCAG[G>A]AACACCCCTGGGGGTGGGACGGGCACGTGCGCGTGGCCATGAAGGCATTAGCCCCACCAT-3'
Protein context (NP_000097.3, residues 110-130): LGFGPRSQGV[Phe120=]LARYGPAWRE

ClinVar aggregate classification (germline): Likely benign (1 of 4 stars; one submission).

gnomAD v4.1: 5,589 of 1,604,608 alleles (0.35%); highest among the groups gnomAD compares: Non-Finnish European, 0.44%; 188 homozygotes.

Submission:

CeGaT Center for Human Genetics Tuebingen
Classification: Likely benign. Last evaluated: 2025-12-01. Review status: criteria provided, single submitter. Criteria: CeGaT Center For Human Genetics Tuebingen Variant Classification Criteria Version 2. Collection method: clinical testing. Allele origin: germline. Affected: yes. Observed: 1 variant allele.
Comment: CYP2D6: BP4, BP7, BS2